The following is an entry in ClinVar:

NM_001040142.2(SCN2A):c.632G>A (p.Gly211Asp)

Gene: SCN2A (sodium voltage-gated channel alpha subunit 2; plus strand). Cytogenetic location: 2q24.3.
Variant type: single nucleotide variant.
Coding change: c.632G>A on transcript NM_001040142.2 (MANE Select); coding-DNA position 632, G replaced by A.
Protein change: p.Gly211Asp; replaces glycine 211 with aspartic acid.
Molecular consequence: missense variant. On other transcripts: intron variant (2).
Genome position (GRCh38, 1-based): chr2:165,309,378, G>A. VCF-style: chr2-165309378-G-A. GRCh37 (hg19) VCF-style: chr2-166165888-G-A.
Other names: c.632G>A, p.Gly211Asp (NM_001371247.1, NM_021007.3); c.697+122G>A (NM_001040143.2, NM_001371246.1); short protein forms G211D.
Identifiers: ClinVar variation 984860 (VCV000984860.7), dbSNP rs1697311700, ClinGen allele CA349017386.

ClinVar aggregate classification (germline): Pathogenic (1 of 4 stars; one submission).

Conditions:
Complex neurodevelopmental disorder. Identifiers: Orphanet 528084, MedGen C5568766, MONDO:0100038.
Developmental and epileptic encephalopathy, 11 (DEE11). Also called: Early infantile epileptic encephalopathy 11. Identifiers: Orphanet 1934, MedGen C3150987, MONDO:0013388, OMIM 613721.
Seizures, benign familial infantile, 3 (BFIS3). Also called: CONVULSIONS, BENIGN FAMILIAL INFANTILE, 3; Familial neonatal seizures. Identifiers: Orphanet 140927, Orphanet 306, MedGen C1843140, MONDO:0011904, OMIM 607745.

Submissions (2):

Labcorp Genetics (formerly Invitae), Labcorp
Classification: Pathogenic for Seizures, benign familial infantile, 3; Developmental and epileptic encephalopathy, 11. Last evaluated: 2022-11-23. Review status: criteria provided, single submitter. Criteria: Invitae Variant Classification Sherloc (09022015). Collection method: clinical testing. Allele origin: germline.
Comment: This sequence change replaces glycine, which is neutral and non-polar, with aspartic acid, which is acidic and polar, at codon 211 of the SCN2A protein (p.Gly211Asp). This variant is not present in population databases (gnomAD no frequency). This missense change has been observed in individual(s) with SCN2A-related conditions (PMID: 23662938, 29655203). In at least one individual the variant was observed to be de novo. ClinVar contains an entry for this variant (Variation ID: 984860). Advanced modeling of protein sequence and biophysical properties (such as structural, functional, and spatial information, amino acid conservation, physicochemical variation, residue mobility, and thermodynamic stability) performed at Invitae indicates that this missense variant is expected to disrupt SCN2A protein function. For these reasons, this variant has been classified as Pathogenic.

Channelopathy-Associated Epilepsy Research Center
No classification provided (evidence only). Condition: Complex neurodevelopmental disorder. Review status: no classification provided. Collection method: literature only. Allele origin: not applicable. Functional consequence: Normal peak current, Moderate hyperpolarizing shift of voltage dependence of activation, Normal slope of activation, Mild hyperpolarizing shift of voltage dependence of fast inactivation, Normal slope of fast inactivation, Normal rate of recovery from fast inactivation, Slowing of recovery from slow inactivation, Normal fast inactivation, Normal ramp current, Normal persistent current. Not counted in ClinVar's aggregate classification.
ClinVar note: "not provided" was previously submitted as the classification for the variant. However, the classification appeared to be based only on an observation of functional data so it was converted to no classification on 2025-07-30.

Literature cited by the submitters: PubMed 23662938 (cited by Labcorp Genetics (formerly Invitae), Labcorp); PubMed 29655203 (cited by Labcorp Genetics (formerly Invitae), Labcorp); PubMed 37578743 (cited by Channelopathy-Associated Epilepsy Research Center).